The following is an entry in ClinVar:

NM_152381.6(XIRP2):c.8397G>A (p.Met2799Ile)

Gene: XIRP2 (xin actin binding repeat containing 2; plus strand). Cytogenetic location: 2q24.3.
Variant type: single nucleotide variant.
Coding change: c.8397G>A on transcript NM_152381.6 (MANE Select); coding-DNA position 8397, G replaced by A.
Protein change: p.Met2799Ile; replaces methionine 2799 with isoleucine.
Molecular consequence: missense variant. On other transcripts: intron variant (3).
Genome position (GRCh38, 1-based): chr2:167,249,789, G>A. VCF-style: chr2-167249789-G-A. GRCh37 (hg19) VCF-style: chr2-168106299-G-A.
Other names: c.7731G>A, p.Met2577Ile (NM_001199144.2); c.1276-4243G>A (NM_001199143.2); c.1177-4243G>A (NM_001079810.4); c.511-4243G>A (NM_001199145.2); short protein forms M2577I, M2799I.
Identifiers: ClinVar variation 3048215 (VCV003048215.2), dbSNP rs200145096, ClinGen allele CA1947813.
Genomic context (GRCh38, chr2:167,249,789, plus strand): 5'-AGTGACAGTACAATTGCCTACAGAATCCATACAGAAGAACCAGGAAGATAAGCTCAAGAT[G>A]GTTCCCAGGAAGCAAAGAGAATTTAGCGGATCTGACAGAGGGAAACTTCCAGGAAGTGAA-3'
Protein context (NP_689594.4, residues 2789-2809): IQKNQEDKLK[Met2799Ile]VPRKQREFSG

ClinVar aggregate classification (germline): Benign (0 of 4 stars; one submission).

Conditions:
XIRP2-related disorder. Also called: XIRP2-related condition.

Allele frequency attached by ClinVar (database versions not stated): ExAC 0.00160; 1000 Genomes Project 30x 0.00328; 1000 Genomes Project 0.00399.
gnomAD v4.1: 1,049 of 1,613,338 alleles (0.065%); highest among the groups gnomAD compares: South Asian, 1.1%; 16 homozygotes.

Submission:

PreventionGenetics, part of Exact Sciences
Classification: Benign for XIRP2-related condition. Last evaluated: 2020-03-09. Review status: no assertion criteria provided. Collection method: clinical testing. Allele origin: germline.
Comment: This variant is classified as benign based on ACMG/AMP sequence variant interpretation guidelines (Richards et al. 2015 PMID: 25741868, with internal and published modifications).